The following is an entry in ClinVar:

NM_005560.6(LAMA5):c.838G>A (p.Asp280Asn)

Gene: LAMA5 (laminin subunit alpha 5; minus strand). Cytogenetic location: 20q13.33.
Variant type: single nucleotide variant.
Coding change: c.838G>A on transcript NM_005560.6 (MANE Select); coding-DNA position 838, G replaced by A.
Protein change: p.Asp280Asn; replaces aspartic acid 280 with asparagine.
Molecular consequence: missense variant.
Genome position (GRCh38, 1-based): chr20:62,351,929, C>T on the plus strand (G>A on the coding strand, the complement: LAMA5 is on the minus strand). VCF-style: chr20-62351929-C-T. GRCh37 (hg19) VCF-style: chr20-60926985-C-T.
Other names: short protein forms D280N.
Identifiers: ClinVar variation 5006403 (VCV005006403.2).

ClinVar aggregate classification (germline): Uncertain significance (1 of 4 stars; one submission).

Conditions:
Nephrotic syndrome, IIa 26. Also called: Nephrotic syndrome, type 26. Identifiers: MedGen C5774221, MONDO:0031061, OMIM 620049.

Submission:

Juno Genomics, Hangzhou Juno Genomics, Inc
Classification: Uncertain significance for Nephrotic syndrome, IIa 26. Review status: criteria provided, single submitter. Criteria: ACMG Guidelines, 2015. Collection method: clinical testing. Allele origin: germline.
Comment: Absent from controls (or at extremely low frequency if recessive) in Genome Aggregation Database.;Multiple lines of computational evidence support a deleterious effect on the gene or gene product.